The following is an entry in ClinVar:

NM_001290060.2(SEMA3B):c.2135C>T (p.Pro712Leu)

Gene: SEMA3B (semaphorin 3B; plus strand). Cytogenetic location: 3p21.31.
Variant type: single nucleotide variant.
Coding change: c.2135C>T on transcript NM_001290060.2 (MANE Select); coding-DNA position 2135, C replaced by T.
Protein change: p.Pro712Leu; replaces proline 712 with leucine.
Molecular consequence: missense variant. On other transcripts: non-coding transcript variant (1).
Genome position (GRCh38, 1-based): chr3:50,276,591, C>T. VCF-style: chr3-50276591-C-T. GRCh37 (hg19) VCF-style: chr3-50314022-C-T.
Other names: c.2132C>T, p.Pro711Leu (NM_001005914.3); c.2150C>T, p.Pro717Leu (NM_001290061.1); c.1106C>T, p.Pro369Leu (NM_001290062.2, NM_001290063.2); c.2135C>T, p.Pro712Leu (NM_004636.4); short protein forms P369L, P711L, P712L, P717L.
Identifiers: ClinVar variation 3358195 (VCV003358195.2).

ClinVar aggregate classification (germline): Uncertain significance (1 of 4 stars; one submission).

Conditions:
SEMA3B-related disorder. Also called: SEMA3B-related condition.

gnomAD v4.1: 32 of 1,568,760 alleles (0.002%); highest among the groups gnomAD compares: Non-Finnish European, 0.0025%; no homozygotes.

Submission:

PreventionGenetics, part of Exact Sciences
Classification: Uncertain significance for SEMA3B-related condition. Last evaluated: 2024-10-06. Review status: criteria provided, single submitter. Criteria: ACMG Guidelines, 2015. Collection method: clinical testing. Allele origin: germline.
Comment: The SEMA3B c.2150C>T variant is predicted to result in the amino acid substitution p.Pro717Leu. To our knowledge, this variant has not been reported in the literature. This variant is reported in 0.0022% of alleles in individuals of European (non-Finnish) descent in gnomAD. At this time, the clinical significance of this variant is uncertain due to the absence of conclusive functional and genetic evidence.